The following is an entry in ClinVar:

NM_020800.3(IFT80):c.1624A>G (p.Arg542Gly)

Genes: IFT80 (intraflagellar transport 80; minus strand), TRIM59-IFT80 (TRIM59-IFT80 readthrough (NMD candidate); minus strand). Cytogenetic location: 3q25.33.
Variant type: single nucleotide variant.
Coding change: c.1624A>G on transcript NM_020800.3 (MANE Select); coding-DNA position 1624, A replaced by G.
Protein change: p.Arg542Gly; replaces arginine 542 with glycine.
Molecular consequence: missense variant. On other transcripts: non-coding transcript variant (3).
Genome position (GRCh38, 1-based): chr3:160,280,707, T>C on the plus strand (A>G on the coding strand, the complement: IFT80 is on the minus strand). VCF-style: chr3-160280707-T-C. GRCh37 (hg19) VCF-style: chr3-159998495-T-C.
Other names: c.1213A>G, p.Arg405Gly (NM_001190241.2, NM_001190242.2); short protein forms R405G, R542G.
Identifiers: ClinVar variation 2000411 (VCV002000411.4), dbSNP rs2473112579, ClinGen allele CA355191206.
Genomic context (GRCh38, chr3:160,280,707, plus strand): 5'-TATACGCAGTAAAATGTTACCTTGCATCCCTTTCATATAATGTTTTAGGCAAAATGTCTC[T>C]GTCCACATAAACTGTATTGGGGTAATACCACACTATAAATCGAGTATCTTGAAGTCCACA-3'
Protein context (NP_065851.1, residues 532-552): WYYPNTVYVD[Arg542Gly]DILPKTLYER

ClinVar aggregate classification (germline): Uncertain significance (1 of 4 stars; one submission).

Conditions:
Jeune thoracic dystrophy. Also called: Jeune syndrome; Infantile thoracic dystrophy; Thoracic pelvic phalangeal dystrophy; Jeune's syndrome; Chondroectodermal dysplasia-like syndrome; Short-rib thoracic dysplasia. Identifiers: Orphanet 474, MedGen C0265275, MONDO:0018770.

Submission:

Labcorp Genetics (formerly Invitae), Labcorp
Classification: Uncertain significance for Jeune thoracic dystrophy. Last evaluated: 2022-05-29. Review status: criteria provided, single submitter. Criteria: Invitae Variant Classification Sherloc (09022015). Collection method: clinical testing. Allele origin: germline.
Comment: This sequence change replaces arginine, which is basic and polar, with glycine, which is neutral and non-polar, at codon 542 of the IFT80 protein (p.Arg542Gly). This variant is not present in population databases (gnomAD no frequency). This variant has not been reported in the literature in individuals affected with IFT80-related conditions. Algorithms developed to predict the effect of missense changes on protein structure and function (SIFT, PolyPhen-2, Align-GVGD) all suggest that this variant is likely to be tolerated. In summary, the available evidence is currently insufficient to determine the role of this variant in disease. Therefore, it has been classified as a Variant of Uncertain Significance.